The following is an entry in ClinVar:

NM_001130009.3(GEN1):c.1202+4A>T

Gene: GEN1 (GEN1 structure-specific endonuclease; plus strand). Cytogenetic location: 2p24.2.
Variant type: single nucleotide variant.
Coding change: c.1202+4A>T on transcript NM_001130009.3 (MANE Select); 4 bases into the intron after coding-DNA position 1202, A replaced by T.
Molecular consequence: intron variant.
Genome position (GRCh38, 1-based): chr2:17,774,405, A>T. VCF-style: chr2-17774405-A-T. GRCh37 (hg19) VCF-style: chr2-17955672-A-T.
Other names: c.1202+4A>T (NM_182625.5).
Identifiers: ClinVar variation 4811406 (VCV004811406.1).

ClinVar aggregate classification (germline): Uncertain significance (1 of 4 stars; one submission).

gnomAD v4.1: 3 of 1,597,818 alleles (0.00019%); highest among the groups gnomAD compares: East Asian, 0.0045%; no homozygotes.

Submission:

Labcorp Genetics (formerly Invitae), Labcorp
Classification: Uncertain significance. Last evaluated: 2025-07-03. Review status: criteria provided, single submitter. Criteria: Invitae Variant Classification Sherloc (09022015). Collection method: clinical testing. Allele origin: germline.
Comment: This sequence change falls in intron 11 of the GEN1 gene. It does not directly change the encoded amino acid sequence of the GEN1 protein. It affects a nucleotide within the consensus splice site. This variant is not present in population databases (gnomAD no frequency). This variant has not been reported in the literature in individuals affected with GEN1-related conditions. Variants that disrupt the consensus splice site are a relatively common cause of aberrant splicing (PMID: 17576681, 9536098). Algorithms developed to predict the effect of sequence changes on RNA splicing suggest that this variant may disrupt the consensus splice site. In summary, the available evidence is currently insufficient to determine the role of this variant in disease. Therefore, it has been classified as a Variant of Uncertain Significance.

Literature cited by the submitters: PubMed 17576681; PubMed 9536098.